The following is an entry in ClinVar:

ClinVar aggregate classification (germline): Uncertain significance. Review status: criteria provided, multiple submitters, no conflicts (2 of 4 stars). 2 submissions from 2 submitters: Uncertain significance (2). Last evaluated 2026-01-07.

Conditions:
DICER1-related tumor predisposition. Also called: DICER1-related pleuropulmonary blastoma cancer predisposition syndrome; DICER1 syndrome. Identifiers: Orphanet 284343, MedGen C3839822, MONDO:0100216.
Hereditary cancer-predisposing syndrome. Also called: Neoplastic Syndromes, Hereditary; Hereditary Cancer Syndrome; Hereditary neoplastic syndrome; Tumor predisposition. Identifiers: Orphanet 140162, MedGen C0027672, MeSH D009386, MONDO:0015356.

Submissions (2):

Labcorp Genetics (formerly Invitae), Labcorp
Classification: Uncertain significance for DICER1-related tumor predisposition. Last evaluated: 2026-01-07. Review status: criteria provided, single submitter. Criteria: Invitae Variant Classification Sherloc (09022015). Collection method: clinical testing. Allele origin: germline.
Comment: This sequence change replaces threonine, which is neutral and polar, with alanine, which is neutral and non-polar, at codon 1334 of the DICER1 protein (p.Thr1334Ala). This variant is not present in population databases (gnomAD no frequency). This variant has not been reported in the literature in individuals affected with DICER1-related conditions. ClinVar contains an entry for this variant (Variation ID: 824490). Invitae Evidence Modeling of protein sequence and biophysical properties (such as structural, functional, and spatial information, amino acid conservation, physicochemical variation, residue mobility, and thermodynamic stability) indicates that this missense variant is not expected to disrupt DICER1 protein function with a negative predictive value of 95%. In summary, the available evidence is currently insufficient to determine the role of this variant in disease. Therefore, it has been classified as a Variant of Uncertain Significance.

Ambry Genetics
Classification: Uncertain significance for Hereditary cancer-predisposing syndrome. Last evaluated: 2024-03-22. Review status: criteria provided, single submitter. Criteria: Ambry Variant Classification Scheme 2023. Collection method: clinical testing. Allele origin: germline.
Comment: The p.T1334A variant (also known as c.4000A>G), located in coding exon 20 of the DICER1 gene, results from an A to G substitution at nucleotide position 4000. The threonine at codon 1334 is replaced by alanine, an amino acid with similar properties. This amino acid position is highly conserved in available vertebrate species. In addition, the in silico prediction for this alteration is inconclusive. Based on the available evidence, the clinical significance of this alteration remains unclear.

NM_177438.3(DICER1):c.4000A>G (p.Thr1334Ala)

Gene: DICER1 (dicer 1, ribonuclease III; minus strand). Cytogenetic location: 14q32.13.
Variant type: single nucleotide variant.
Coding change: c.4000A>G on transcript NM_177438.3 (MANE Select); coding-DNA position 4000, A replaced by G.
Protein change: p.Thr1334Ala; replaces threonine 1334 with alanine.
Molecular consequence: missense variant.
Genome position (GRCh38, 1-based): chr14:95,103,396, T>C on the plus strand (A>G on the coding strand, the complement: DICER1 is on the minus strand). VCF-style: chr14-95103396-T-C. GRCh37 (hg19) VCF-style: chr14-95569733-T-C.
Other names: c.4000A>G, p.Thr1334Ala (NM_001195573.1, NM_001271282.3, NM_001291628.2 and 1 more transcripts); short protein forms T1334A.
Identifiers: ClinVar variation 824490 (VCV000824490.14), dbSNP rs1595363871, ClinGen allele CA390872986.